The following is an entry in ClinVar:

ClinVar aggregate classification (germline): Uncertain significance (1 of 4 stars; one submission).

Allele frequency attached by ClinVar (database versions not stated): gnomAD exomes below 0.00001.
gnomAD v4.1: 1 of 1,613,916 alleles (0.000062%); highest among the groups gnomAD compares: Non-Finnish European, 0.000085%; no homozygotes.

Submission:

Labcorp Genetics (formerly Invitae), Labcorp
Classification: Uncertain significance. Last evaluated: 2024-01-22. Review status: criteria provided, single submitter. Criteria: Invitae Variant Classification Sherloc (09022015). Collection method: clinical testing. Allele origin: germline.
Comment: This sequence change replaces proline, which is neutral and non-polar, with leucine, which is neutral and non-polar, at codon 500 of the CTNNB1 protein (p.Pro500Leu). This variant is not present in population databases (gnomAD no frequency). This variant has not been reported in the literature in individuals affected with CTNNB1-related conditions. Advanced modeling of protein sequence and biophysical properties (such as structural, functional, and spatial information, amino acid conservation, physicochemical variation, residue mobility, and thermodynamic stability) performed at Invitae indicates that this missense variant is not expected to disrupt CTNNB1 protein function with a negative predictive value of 80%. In summary, the available evidence is currently insufficient to determine the role of this variant in disease. Therefore, it has been classified as a Variant of Uncertain Significance.

NM_001904.4(CTNNB1):c.1499C>T (p.Pro500Leu)

Genes: CTNNB1 (catenin beta 1; plus strand), LOC126806659 (BRD4-independent group 4 enhancer GRCh37_chr3:41274918-41276117; plus strand). Cytogenetic location: 3p22.1.
Variant type: single nucleotide variant.
Coding change: c.1499C>T on transcript NM_001904.4 (MANE Select); coding-DNA position 1499, C replaced by T.
Protein change: p.Pro500Leu; replaces proline 500 with leucine.
Molecular consequence: missense variant.
Genome position (GRCh38, 1-based): chr3:41,233,842, C>T. VCF-style: chr3-41233842-C-T. GRCh37 (hg19) VCF-style: chr3-41275333-C-T.
Other names: c.1499C>T, p.Pro500Leu (NM_001098209.2, NM_001098210.2); c.1478C>T, p.Pro493Leu (NM_001330729.2); short protein forms P493L, P500L.
Identifiers: ClinVar variation 2710825 (VCV002710825.3), dbSNP rs2125640794, ClinGen allele CA352233834.